The following is an entry in ClinVar:

ClinVar aggregate classification (germline): Benign/Likely benign. Review status: criteria provided, multiple submitters, no conflicts (2 of 4 stars). 6 submissions from 6 submitters: Benign (2); Likely benign (3). 1 of the submissions does not count toward it. Last evaluated 2026-01-18.

Conditions:
Combined oxidative phosphorylation defect type 27. Also called: Combined oxidative phosphorylation deficiency 27. Identifiers: Orphanet 477774, MedGen C5567608, MONDO:0014728, OMIM 616672.
CARS2-related disorder. Also called: CARS2-related condition.

Allele frequency attached by ClinVar (database versions not stated): gnomAD exomes 0.00013 and 0.00039; ESP Exome Variant Server 0.00015; ExAC 0.00043; 1000 Genomes Project 0.00060; 1000 Genomes Project 30x 0.00062; gnomAD 0.00027 and 0.00031; TOPMed 0.00040.
gnomAD v4.1: 246 of 1,612,456 alleles (0.015%); highest among the groups gnomAD compares: East Asian, 0.11%; 1 homozygote.

Submissions (6):

Labcorp Genetics (formerly Invitae), Labcorp
Classification: Benign for Combined oxidative phosphorylation defect type 27. Last evaluated: 2026-01-18. Review status: criteria provided, single submitter. Criteria: Invitae Variant Classification Sherloc (09022015). Collection method: clinical testing. Allele origin: germline.

CeGaT Center for Human Genetics Tuebingen
Classification: Likely benign. Last evaluated: 2025-06-01. Review status: criteria provided, single submitter. Criteria: CeGaT Center For Human Genetics Tuebingen Variant Classification Criteria Version 2. Collection method: clinical testing. Allele origin: germline. Affected: yes. Observed: 1 variant allele.
Comment: CARS2: BP4, BP7

Blueprint Genetics
Classification: Likely benign. Last evaluated: 2024-10-29. Review status: criteria provided, single submitter. Criteria: ACMG Guidelines, 2015. Collection method: clinical testing. Allele origin: germline.

ARUP Laboratories, Molecular Genetics and Genomics, ARUP Laboratories
Classification: Benign for Combined oxidative phosphorylation defect type 27. Last evaluated: 2024-09-17. Review status: criteria provided, single submitter. Criteria: ARUP Molecular Germline Variant Investigation Process 2024. Collection method: clinical testing. Allele origin: germline.

GeneDx
Classification: Likely benign. Last evaluated: 2021-03-31. Review status: criteria provided, single submitter. Criteria: GeneDx Variant Classification Process June 2021. Collection method: clinical testing. Allele origin: germline. Affected: yes.

PreventionGenetics, part of Exact Sciences
Classification: Likely benign for CARS2-related condition. Last evaluated: 2019-02-20. Review status: no assertion criteria provided. Collection method: clinical testing. Allele origin: germline. Not counted in ClinVar's aggregate classification.
Comment: This variant is classified as likely benign based on ACMG/AMP sequence variant interpretation guidelines (Richards et al. 2015 PMID: 25741868, with internal and published modifications).

NM_024537.4(CARS2):c.1308G>A (p.Ala436=)

Gene: CARS2 (cysteinyl-tRNA synthetase 2, mitochondrial; minus strand). Cytogenetic location: 13q34.
Variant type: single nucleotide variant.
Coding change: c.1308G>A on transcript NM_024537.4 (MANE Select); coding-DNA position 1308, G replaced by A.
Protein change: p.Ala436=; no amino-acid change (alanine 436 retained).
Molecular consequence: synonymous variant. On other transcripts: non-coding transcript variant (2).
Genome position (GRCh38, 1-based): chr13:110,645,976, C>T on the plus strand (G>A on the coding strand, the complement: CARS2 is on the minus strand). VCF-style: chr13-110645976-C-T. GRCh37 (hg19) VCF-style: chr13-111298323-C-T.
Other names: c.522G>A, p.Ala174= (NM_001352252.2).
Identifiers: ClinVar variation 390277 (VCV000390277.28), dbSNP rs141349632, ClinGen allele CA7051844.